The following is an entry in ClinVar:

NM_002693.3(POLG):c.1913C>G (p.Thr638Ser)

Gene: POLG (DNA polymerase gamma, catalytic subunit; minus strand). Cytogenetic location: 15q26.1.
Variant type: single nucleotide variant.
Coding change: c.1913C>G on transcript NM_002693.3 (MANE Select); coding-DNA position 1913, C replaced by G.
Protein change: p.Thr638Ser; replaces threonine 638 with serine.
Molecular consequence: missense variant.
Genome position (GRCh38, 1-based): chr15:89,325,486, G>C on the plus strand (C>G on the coding strand, the complement: POLG is on the minus strand). VCF-style: chr15-89325486-G-C. GRCh37 (hg19) VCF-style: chr15-89868717-G-C.
Other names: c.1913C>G, p.Thr638Ser (NM_001126131.2); short protein forms T638S.
Identifiers: ClinVar variation 4802415 (VCV004802415.1).

ClinVar aggregate classification (germline): Uncertain significance (1 of 4 stars; one submission).

Conditions:
Progressive sclerosing poliodystrophy (MTDPS4A). Also called: ALPERS PROGRESSIVE INFANTILE POLIODYSTROPHY; NEURONAL DEGENERATION OF CHILDHOOD WITH LIVER DISEASE, PROGRESSIVE; Mitochondrial DNA Depletion Syndrome 4A; Alpers Syndrome; ALPERS DIFFUSE DEGENERATION OF CEREBRAL GRAY MATTER WITH HEPATIC CIRRHOSIS; Alpers-Huttenlocher Syndrome. Identifiers: Orphanet 726, MedGen C0205710, MONDO:0008758, OMIM 203700.

gnomAD v4.1: 1 of 1,607,502 alleles (0.000062%); highest among the groups gnomAD compares: South Asian, 0.0011%; no homozygotes.

Submission:

Labcorp Genetics (formerly Invitae), Labcorp
Classification: Uncertain significance for Progressive sclerosing poliodystrophy. Last evaluated: 2025-07-30. Review status: criteria provided, single submitter. Criteria: Invitae Variant Classification Sherloc (09022015). Collection method: clinical testing. Allele origin: germline.
Comment: This sequence change replaces threonine, which is neutral and polar, with serine, which is neutral and polar, at codon 638 of the POLG protein (p.Thr638Ser). This variant is present in population databases (rs780017269, gnomAD 0.003%). This variant has not been reported in the literature in individuals affected with POLG-related conditions. Invitae Evidence Modeling of protein sequence and biophysical properties (such as structural, functional, and spatial information, amino acid conservation, physicochemical variation, residue mobility, and thermodynamic stability) indicates that this missense variant is not expected to disrupt POLG protein function with a negative predictive value of 95%. In summary, the available evidence is currently insufficient to determine the role of this variant in disease. Therefore, it has been classified as a Variant of Uncertain Significance.